The following is an entry in ClinVar:

ClinVar aggregate classification (germline): Pathogenic (1 of 4 stars; one submission).

Conditions:
Metachromatic leukodystrophy (MLD). Also called: Cerebral sclerosis diffuse metachromatic form; Arylsulfatase A Deficiency; ARSA DEFICIENCY; CEREBROSIDE SULFATASE DEFICIENCY; METACHROMATIC LEUKOENCEPHALOPATHY; SULFATIDE LIPIDOSIS. Identifiers: Orphanet 512, MedGen C0023522, MONDO:0018868, OMIM 250100.

Submission:

Labcorp Genetics (formerly Invitae), Labcorp
Classification: Pathogenic for Metachromatic leukodystrophy. Last evaluated: 2023-07-13. Review status: criteria provided, single submitter. Criteria: Invitae Variant Classification Sherloc (09022015). Collection method: clinical testing. Allele origin: germline.
Comment: This sequence change affects a donor splice site in intron 6 of the ARSA gene. It is expected to disrupt RNA splicing. Variants that disrupt the donor or acceptor splice site typically lead to a loss of protein function (PMID: 16199547), and loss-of-function variants in ARSA are known to be pathogenic (PMID: 8962139, 10477432). This variant is not present in population databases (gnomAD no frequency). For these reasons, this variant has been classified as Pathogenic. Algorithms developed to predict the effect of sequence changes on RNA splicing suggest that this variant may disrupt the consensus splice site. Disruption of this splice site has been observed in individual(s) with metachromatic leukodystrophy (PMID: 20890085). In at least one individual the data is consistent with being in trans (on the opposite chromosome) from a pathogenic variant.

Literature cited by the submitters: PubMed 16199547; PubMed 8962139; PubMed 10477432; PubMed 20890085.

NM_000487.6(ARSA):c.1107+1G>C

Gene: ARSA (arylsulfatase A; minus strand). Cytogenetic location: 22q13.33.
Variant type: single nucleotide variant.
Coding change: c.1107+1G>C on transcript NM_000487.6 (MANE Select); the canonical splice donor site of the intron after coding-DNA position 1107, G replaced by C.
Molecular consequence: splice donor variant.
Genome position (GRCh38, 1-based): chr22:50,625,935, C>G on the plus strand (G>C on the coding strand, the complement: ARSA is on the minus strand). VCF-style: chr22-50625935-C-G. GRCh37 (hg19) VCF-style: chr22-51064363-C-G.
Other names: c.849+1G>C (NM_001362782.2, NM_001085428.3); c.1107+1G>C (NM_001085427.3, NM_001085426.3, NM_001085425.3).
Identifiers: ClinVar variation 2743137 (VCV002743137.3), dbSNP rs2146718906, ClinGen allele CA412171099.
Genomic context (GRCh38, chr22:50,625,935, plus strand): 5'-CACCCCAGGGGAAGGCCAGGACAGGGGCCAAGGATCTGGGATCAGGGGTCACCGGCCCTA[C>G]CTTGCCTGTGCCCAGCAGCAGGGGGCTGAGGTCAAAGCCATCCAAGGTGACATTGGGCAG-3'